The following is an entry in ClinVar:

ClinVar aggregate classification (germline): Uncertain significance. Review status: criteria provided, multiple submitters, no conflicts (2 of 4 stars). 2 submissions from 2 submitters: Uncertain significance (2). Last evaluated 2025-07-22.

Conditions:
Early-infantile DEE. Also called: Early infantile epileptic encephalopathy with suppression bursts; Early infantile epileptic encephalopathy; Ohtahara syndrome. Identifiers: Orphanet 1934, MedGen C0393706, MONDO:0800491.

Submissions (2):

GeneDx
Classification: Uncertain significance. Last evaluated: 2025-07-22. Review status: criteria provided, single submitter. Criteria: GeneDx Variant Classification Process June 2021. Collection method: clinical testing. Allele origin: germline. Affected: yes.
Comment: Not observed at significant frequency in large population cohorts (gnomAD); In silico analysis supports that this missense variant has a deleterious effect on protein structure/function; Has not been previously published as pathogenic or benign to our knowledge

Labcorp Genetics (formerly Invitae), Labcorp
Classification: Uncertain significance for Early-infantile DEE. Last evaluated: 2024-02-23. Review status: criteria provided, single submitter. Criteria: Invitae Variant Classification Sherloc (09022015). Collection method: clinical testing. Allele origin: germline.
Comment: This sequence change replaces aspartic acid, which is acidic and polar, with asparagine, which is neutral and polar, at codon 232 of the GNAO1 protein (p.Asp232Asn). This variant is not present in population databases (gnomAD no frequency). This variant has not been reported in the literature in individuals affected with GNAO1-related conditions. ClinVar contains an entry for this variant (Variation ID: 1723696). Advanced modeling of protein sequence and biophysical properties (such as structural, functional, and spatial information, amino acid conservation, physicochemical variation, residue mobility, and thermodynamic stability) has been performed at Invitae for this missense variant, however the output from this modeling did not meet the statistical confidence thresholds required to predict the impact of this variant on GNAO1 protein function. In summary, the available evidence is currently insufficient to determine the role of this variant in disease. Therefore, it has been classified as a Variant of Uncertain Significance.

NM_020988.3(GNAO1):c.694G>A (p.Asp232Asn)

Gene: GNAO1 (G protein subunit alpha o1; plus strand). Cytogenetic location: 16q13.
Variant type: single nucleotide variant.
Coding change: c.694G>A on transcript NM_020988.3 (MANE Select); coding-DNA position 694, G replaced by A.
Protein change: p.Asp232Asn; replaces aspartic acid 232 with asparagine.
Molecular consequence: missense variant.
Genome position (GRCh38, 1-based): chr16:56,336,831, G>A. VCF-style: chr16-56336831-G-A. GRCh37 (hg19) VCF-style: chr16-56370743-G-A.
Other names: c.694G>A, p.Asp232Asn (NM_138736.3); short protein forms D232N.
Identifiers: ClinVar variation 1723696 (VCV001723696.8), dbSNP rs2506877012, ClinGen allele CA395952358.